The following is an entry in ClinVar:

ClinVar aggregate classification (germline): Uncertain significance (1 of 4 stars; one submission).

Conditions:
RASopathy. Also called: rasopathies; Noonan spectrum disorder. Identifiers: Orphanet 536391, MedGen C5555857, MONDO:0021060.

Submission:

Labcorp Genetics (formerly Invitae), Labcorp
Classification: Uncertain significance for RASopathy. Last evaluated: 2024-01-04. Review status: criteria provided, single submitter. Criteria: Invitae Variant Classification Sherloc (09022015). Collection method: clinical testing. Allele origin: unknown.
Comment: A gross deletion of the genomic region encompassing the full coding sequence of the NRAS gene has been identified. The current clinical and genetic evidence is not sufficient to establish whether loss-of-function variants in NRAS cause disease. The boundaries of this event are unknown as they extend beyond the assayed region for this gene and therefore may encompass additional genes. This variant has not been reported in the literature in individuals affected with NRAS-related conditions. In summary, the available evidence is currently insufficient to determine the role of this variant in disease. Therefore, it has been classified as a Variant of Uncertain Significance.

NC_000001.10:g.(?_114437687)_(115576848_?)del

Genes: CSDE1 (cold shock domain containing E1; minus strand), DCLRE1B (DNA cross-link repair 1B; plus strand), AMPD1 (adenosine monophosphate deaminase 1; minus strand), AP4B1 (adaptor related protein complex 4 subunit beta 1; minus strand), BCAS2 (BCAS2 pre-mRNA processing factor; minus strand) and 9 more. Cytogenetic location: 1p13.2.
Variant type: Deletion.
Identifiers: ClinVar variation 3247866 (VCV003247866.1).